The following is an entry in ClinVar:

NM_020163.3(SEMA3G):c.1021G>A (p.Val341Ile)

Gene: SEMA3G (semaphorin 3G; minus strand). Cytogenetic location: 3p21.1.
Variant type: single nucleotide variant.
Coding change: c.1021G>A on transcript NM_020163.3 (MANE Select); coding-DNA position 1021, G replaced by A.
Protein change: p.Val341Ile; replaces valine 341 with isoleucine.
Molecular consequence: missense variant.
Genome position (GRCh38, 1-based): chr3:52,440,499, C>T on the plus strand (G>A on the coding strand, the complement: SEMA3G is on the minus strand). VCF-style: chr3-52440499-C-T. GRCh37 (hg19) VCF-style: chr3-52474515-C-T.
Other names: c.1021G>A (NM_020163.2); short protein forms V341I.
Identifiers: ClinVar variation 3952097 (VCV003952097.2).

ClinVar aggregate classification (germline): Uncertain significance. Review status: criteria provided, multiple submitters, no conflicts (2 of 4 stars). 2 submissions from 2 submitters: Uncertain significance (2). Last evaluated 2026-02-23.

Conditions:
SEMA3G-related disorder. Also called: SEMA3G-related condition.

Submissions (2):

PreventionGenetics, part of Exact Sciences
Classification: Uncertain significance for SEMA3G-related condition. Last evaluated: 2026-02-23. Review status: criteria provided, single submitter. Criteria: ACMG Guidelines, 2015. Collection method: clinical testing. Allele origin: germline.
Comment: The SEMA3G c.1021G>A variant is predicted to result in the amino acid substitution p.Val341Ile. To our knowledge, this variant has not been reported in the literature. This variant is reported in 0.051% of alleles in individuals of East Asian descent in gnomAD. Although we suspect that this variant may be benign, at this time, the clinical significance of this variant is uncertain due to the absence of conclusive functional and genetic evidence.

Ambry Genetics
Classification: Uncertain significance. Last evaluated: 2025-05-07. Review status: criteria provided, single submitter. Criteria: Ambry Variant Classification Scheme 2023. Collection method: clinical testing. Allele origin: germline.